The following is an entry in ClinVar:

NM_001283009.2(RTEL1):c.422G>A (p.Arg141Gln)

Genes: RTEL1 (regulator of telomere elongation helicase 1; plus strand), RTEL1-TNFRSF6B (RTEL1-TNFRSF6B readthrough (NMD candidate); plus strand). Cytogenetic location: 20q13.33.
Variant type: single nucleotide variant.
Coding change: c.422G>A on transcript NM_001283009.2 (MANE Select); coding-DNA position 422, G replaced by A.
Protein change: p.Arg141Gln; replaces arginine 141 with glutamine.
Molecular consequence: missense variant. On other transcripts: non-coding transcript variant (1), 5 prime UTR variant (1).
Genome position (GRCh38, 1-based): chr20:63,662,572, G>A. VCF-style: chr20-63662572-G-A. GRCh37 (hg19) VCF-style: chr20-62293925-G-A.
Other names: c.422G>A (NM_001283009.1); c.-248G>A (NM_001283010.1); c.422G>A, p.Arg141Gln (NM_016434.4); c.494G>A, p.Arg165Gln (NM_032957.5); short protein forms R141Q, R165Q.
Identifiers: ClinVar variation 1055750 (VCV001055750.9), dbSNP rs1242481082, ClinGen allele CA409669561.

ClinVar aggregate classification (germline): Uncertain significance. Review status: criteria provided, multiple submitters, no conflicts (2 of 4 stars). 3 submissions from 3 submitters: Uncertain significance (2). 1 of the submissions does not count toward it. Last evaluated 2025-12-03.

Conditions:
Dyskeratosis congenita, autosomal recessive 5 (DKCB5). Identifiers: MedGen C3554656, MONDO:0014076, OMIM 615190.
Pulmonary fibrosis and/or bone marrow failure, Telomere-related, 3. Also called: PULMONARY FIBROSIS AND/OR BONE MARROW FAILURE SYNDROME, TELOMERE-RELATED, 3. Identifiers: Orphanet 2032, MedGen C4225346, MONDO:0014613, OMIM 616373.
Dyskeratosis congenita. Identifiers: Orphanet 1775, MedGen C0265965, MONDO:0015780.

Submissions (3):

Labcorp Genetics (formerly Invitae), Labcorp
Classification: Uncertain significance for Dyskeratosis congenita, autosomal recessive 5; Pulmonary fibrosis and/or bone marrow failure, Telomere-related, 3. Last evaluated: 2025-12-03. Review status: criteria provided, single submitter. Criteria: Invitae Variant Classification Sherloc (09022015). Collection method: clinical testing. Allele origin: germline.
Comment: This sequence change replaces arginine, which is basic and polar, with glutamine, which is neutral and polar, at codon 141 of the RTEL1 protein (p.Arg141Gln). This variant is present in population databases (no rsID available, gnomAD 0.002%). This variant has not been reported in the literature in individuals affected with RTEL1-related conditions. ClinVar contains an entry for this variant (Variation ID: 1055750). An algorithm developed to predict the effect of missense changes on protein structure and function (PolyPhen-2) suggests that this variant is likely to be disruptive. In summary, the available evidence is currently insufficient to determine the role of this variant in disease. Therefore, it has been classified as a Variant of Uncertain Significance.

Sema4
Classification: Uncertain significance for Dyskeratosis congenita. Last evaluated: 2021-11-03. Review status: criteria provided, single submitter. Criteria: Sema4 Curation Guidelines. Collection method: curation. Allele origin: germline.
Comment: The RTEL1 c.422G>A (p.R141Q) variant has not been reported in the literature to our knowledge. It was observed in 2/128918 chromosomes of the Non-Finnish European subpopulation in the large and broad cohorts of the Genome Aggregation Database (PMID: 32461654). The variant has been reported in ClinVar (Variation ID: 1055750). In silico tools suggest the impact of the variant on protein function is deleterious, though these predictions have not been confirmed by functional studies. The evidence is insufficient to meet ACMG/AMP criteria for classifying the variant as benign or pathogenic. Thus, the clinical significance of this variant is currently uncertain.

Natera, Inc.
Classification: Uncertain significance for Dyskeratosis congenita. Last evaluated: 2020-07-29. Review status: no assertion criteria provided. Collection method: clinical testing. Allele origin: germline. Not counted in ClinVar's aggregate classification.